The following is an entry in ClinVar:

ClinVar aggregate classification (germline): Conflicting classifications of pathogenicity. Review status: criteria provided, conflicting classifications (1 of 4 stars). 7 submissions from 7 submitters: Uncertain significance (6); Likely benign (1). Last evaluated 2025-09-04.

Conditions:
Cardiovascular phenotype. Identifiers: MedGen CN230736.
Primary familial dilated cardiomyopathy (FDC). Also called: Familial dilated cardiomyopathy; Hypokinetic dilated cardiomyopathy, familial. Identifiers: Orphanet 217607, MedGen C0340427, MONDO:0016333.
Arrhythmogenic right ventricular dysplasia 8 (ARVD8). Also called: Arrhythmogenic Right Ventricular Dysplasia/Cardiomyopathy 8; ARRHYTHMOGENIC RIGHT VENTRICULAR DYSPLASIA, FAMILIAL, 8; ARRHYTHMOGENIC RIGHT VENTRICULAR CARDIOMYOPATHY 8. Identifiers: MedGen C1843896, MONDO:0011831, OMIM 607450.
Arrhythmogenic cardiomyopathy with wooly hair and keratoderma. Also called: Carvajal syndrome; Dilated cardiomyopathy with woolly hair and keratoderma; Arrhythmogenic cardiomyopathy with woolly hair and keratoderma; PALMOPLANTAR KERATODERMA WITH LEFT VENTRICULAR CARDIOMYOPATHY AND WOOLLY HAIR. Identifiers: Orphanet 65282, MedGen C1854063, MONDO:0011581, OMIM 605676.
Cardiomyopathy (CMYO). Also called: Cardiomyopathies. Identifiers: Orphanet 167848, MedGen C0878544, MONDO:0004994, HP:0001638. Inheritance: Various modes of inheritance.

Allele frequency attached by ClinVar (database versions not stated): gnomAD exomes below 0.00001; TOPMed below 0.00001; gnomAD 0.00001.
gnomAD v4.1: 6 of 1,614,064 alleles (0.00037%); highest among the groups gnomAD compares: Non-Finnish European, 0.00051%; no homozygotes.

Submissions (7):

Color Diagnostics, LLC DBA Color Health
Classification: Uncertain significance for Cardiomyopathy. Last evaluated: 2025-09-04. Review status: criteria provided, single submitter. Criteria: ACMG Guidelines, 2015. Collection method: clinical testing. Allele origin: germline.
Comment: This missense variant replaces methionine with isoleucine at codon 83 of the DSP protein. Computational prediction suggests that this variant may not impact protein structure and function. To our knowledge, functional studies have not been reported for this variant. This variant has not been reported in individuals affected with DSP-related disorders in the literature. This variant has been identified in 1/31408 chromosomes in the general population by the Genome Aggregation Database (gnomAD). The available evidence is insufficient to determine the role of this variant in disease conclusively. Therefore, this variant is classified as a Variant of Uncertain Significance.

Labcorp Genetics (formerly Invitae), Labcorp
Classification: Likely benign for Arrhythmogenic cardiomyopathy with wooly hair and keratoderma; Arrhythmogenic right ventricular dysplasia 8. Last evaluated: 2025-04-11. Review status: criteria provided, single submitter. Criteria: Invitae Variant Classification Sherloc (09022015). Collection method: clinical testing. Allele origin: germline.

All of Us Research Program, National Institutes of Health
Classification: Uncertain significance for Arrhythmogenic cardiomyopathy with wooly hair and keratoderma. Last evaluated: 2024-06-11. Review status: criteria provided, single submitter. Criteria: ACMG Guidelines, 2015. Collection method: clinical testing. Allele origin: germline. Inheritance: Autosomal dominant inheritance. Observed: 4 variant alleles, 4 heterozygotes.
Comment: This missense variant replaces methionine with isoleucine at codon 83 of the DSP protein. Computational prediction suggests that this variant may not impact protein structure and function (internally defined REVEL score threshold <= 0.5, PMID: 27666373). To our knowledge, functional studies have not been reported for this variant. This variant has not been reported in individuals affected with DSP-related disorders in the literature. This variant has been identified in 1/31408 chromosomes in the general population by the Genome Aggregation Database (gnomAD). The available evidence is insufficient to determine the role of this variant in disease conclusively. Therefore, this variant is classified as a Variant of Uncertain Significance.

This study involves interpretation of variants in research participants for the purpose of population health screening. Participant phenotype was not available at the time of variant classification. Additional details can be found in publication PMID: 35346344, PMCID: PMC8962531

Ambry Genetics
Classification: Uncertain significance for Cardiovascular phenotype. Last evaluated: 2022-11-04. Review status: criteria provided, single submitter. Criteria: Ambry Variant Classification Scheme 2023. Collection method: clinical testing. Allele origin: germline.
Comment: The p.M83I variant (also known as c.249G>A), located in coding exon 2 of the DSP gene, results from a G to A substitution at nucleotide position 249. The methionine at codon 83 is replaced by isoleucine, an amino acid with highly similar properties. This amino acid position is conserved. In addition, this alteration is predicted to be tolerated by in silico analysis. Since supporting evidence is limited at this time, the clinical significance of this alteration remains unclear.

CeGaT Center for Human Genetics Tuebingen
Classification: Uncertain significance. Last evaluated: 2022-05-01. Review status: criteria provided, single submitter. Criteria: CeGaT Center For Human Genetics Tuebingen Variant Classification Criteria Version 2. Collection method: clinical testing. Allele origin: germline. Affected: yes. Observed: 1 variant allele.

GeneDx
Classification: Uncertain significance. Last evaluated: 2020-03-30. Review status: criteria provided, single submitter. Criteria: GeneDx Variant Classification Process June 2021. Collection method: clinical testing. Allele origin: germline. Affected: yes.
Comment: Has not been previously published as pathogenic or benign to our knowledge; Reported in ClinVar as a variant of uncertain significance (ClinVar Variant ID# 520443; Landrum et al., 2016); Not observed at a significant frequency in large population cohorts (Lek et al., 2016); In silico analysis supports that this missense variant does not alter protein structure/function

Molecular Diagnostic Laboratory for Inherited Cardiovascular Disease, Montreal Heart Institute
Classification: Uncertain significance for Primary familial dilated cardiomyopathy. Last evaluated: 2017-01-30. Review status: criteria provided, single submitter. Criteria: ACMG Guidelines, 2015. Collection method: clinical testing. Allele origin: germline. Affected: yes.

NM_004415.4(DSP):c.249G>A (p.Met83Ile)

Gene: DSP (desmoplakin; plus strand). Cytogenetic location: 6p24.3.
Variant type: single nucleotide variant.
Coding change: c.249G>A on transcript NM_004415.4 (MANE Select); coding-DNA position 249, G replaced by A.
Protein change: p.Met83Ile; replaces methionine 83 with isoleucine.
Molecular consequence: missense variant.
Genome position (GRCh38, 1-based): chr6:7,555,796, G>A. VCF-style: chr6-7555796-G-A. GRCh37 (hg19) VCF-style: chr6-7556029-G-A.
Other names: c.249G>A, p.Met83Ile (NM_001008844.3, NM_001319034.2); short protein forms M83I.
Identifiers: ClinVar variation 520443 (VCV000520443.43), dbSNP rs1426930663, ClinGen allele CA362670845.